The following is an entry in ClinVar:

NM_001267550.2(TTN):c.39010C>T (p.Pro13004Ser)

Gene: TTN (titin; minus strand). Cytogenetic location: 2q31.2.
Variant type: single nucleotide variant.
Coding change: c.39010C>T on transcript NM_001267550.2 (MANE Select); coding-DNA position 39010, C replaced by T.
Protein change: p.Pro13004Ser; replaces proline 13004 with serine.
Molecular consequence: missense variant. On other transcripts: intron variant (5).
Genome position (GRCh38, 1-based): chr2:178,652,686, G>A on the plus strand (C>T on the coding strand, the complement: TTN is on the minus strand). VCF-style: chr2-178652686-G-A. GRCh37 (hg19) VCF-style: chr2-179517413-G-A.
Other names: c.13283-10369C>T (NM_003319.4); c.13859-10369C>T (NM_133437.4); c.13658-10369C>T (NM_133432.3); c.31742-145C>T (NM_133378.4); c.34523-145C>T (NM_001256850.1); short protein forms P13004S.
Identifiers: ClinVar variation 4534462 (VCV004534462.6).

ClinVar aggregate classification (germline): Uncertain significance (1 of 4 stars; one submission).

gnomAD v4.1: 5 of 1,613,428 alleles (0.00031%); highest among the groups gnomAD compares: Non-Finnish European, 0.00042%; no homozygotes.

Submission:

CeGaT Center for Human Genetics Tuebingen
Classification: Uncertain significance. Last evaluated: 2025-10-01. Review status: criteria provided, single submitter. Criteria: CeGaT Center For Human Genetics Tuebingen Variant Classification Criteria Version 2. Collection method: clinical testing. Allele origin: germline. Affected: yes. Observed: 1 variant allele.
Comment: TTN: PM2